The following is an entry in ClinVar:

ClinVar aggregate classification (germline): Uncertain significance. Review status: criteria provided, multiple submitters, no conflicts (2 of 4 stars). 3 submissions from 3 submitters: Uncertain significance (3). Last evaluated 2025-11-25.

Conditions:
Charcot-Marie-Tooth disease type 2. Also called: Charcot-Marie-Tooth type 2. Identifiers: Orphanet 64746, MedGen C0270914, MONDO:0018993.
Neuroblastoma, susceptibility to, 1. Identifiers: MedGen C2749485, MONDO:0009741, OMIM 256700.
Charcot-Marie-Tooth disease type 2A1. Also called: CHARCOT-MARIE-TOOTH DISEASE, AXONAL, TYPE 2A1; CHARCOT-MARIE-TOOTH DISEASE, AXONAL, AUTOSOMAL DOMINANT, TYPE 2A1; CHARCOT-MARIE-TOOTH DISEASE, NEURONAL, TYPE 2A1; CHARCOT-MARIE-TOOTH NEUROPATHY, TYPE 2A1; HEREDITARY MOTOR AND SENSORY NEUROPATHY IIA1. Identifiers: Orphanet 99946, MedGen C1861678, MONDO:0007308, OMIM 118210.

Allele frequency attached by ClinVar (database versions not stated): ExAC 0.00002; gnomAD exomes below 0.00001; TOPMed 0.00001.
gnomAD v4.1: 3 of 1,610,002 alleles (0.00019%); highest among the groups gnomAD compares: Admixed American, 0.005%; no homozygotes.

Submissions (3):

Labcorp Genetics (formerly Invitae), Labcorp
Classification: Uncertain significance for Charcot-Marie-Tooth disease type 2. Last evaluated: 2025-11-25. Review status: criteria provided, single submitter. Criteria: Invitae Variant Classification Sherloc (09022015). Collection method: clinical testing. Allele origin: germline.
Comment: This sequence change falls in intron 39 of the KIF1B gene. It does not directly change the encoded amino acid sequence of the KIF1B protein. It affects a nucleotide within the consensus splice site. This variant is present in population databases (rs761773305, gnomAD 0.009%). This variant has not been reported in the literature in individuals affected with KIF1B-related conditions. ClinVar contains an entry for this variant (Variation ID: 1738868). Variants that disrupt the consensus splice site are a relatively common cause of aberrant splicing (PMID: 17576681, 9536098). Algorithms developed to predict the effect of sequence changes on RNA splicing suggest that this variant may disrupt the consensus splice site. In summary, the available evidence is currently insufficient to determine the role of this variant in disease. Therefore, it has been classified as a Variant of Uncertain Significance.

Fulgent Genetics
Classification: Uncertain significance for Charcot-Marie-Tooth disease type 2A1; Neuroblastoma, susceptibility to, 1. Last evaluated: 2024-05-13. Review status: criteria provided, single submitter. Criteria: ACMG Guidelines, 2015. Collection method: clinical testing. Allele origin: germline.

Ambry Genetics
Classification: Uncertain significance. Last evaluated: 2024-03-25. Review status: criteria provided, single submitter. Criteria: Ambry Variant Classification Scheme 2023. Collection method: clinical testing. Allele origin: germline.
Comment: The c.4228+4A>T intronic variant results from an A to T substitution 4 nucleotides after coding exon 38 in the KIF1B gene. This nucleotide position is highly conserved in available vertebrate species. In silico splice site analysis for this alteration is inconclusive. The evidence for this gene-disease relationship is limited; therefore, the clinical significance of this alteration is unclear.

Literature cited by the submitters: PubMed 17576681 (cited by Labcorp Genetics (formerly Invitae), Labcorp); PubMed 9536098 (cited by Labcorp Genetics (formerly Invitae), Labcorp).

NM_001365951.3(KIF1B):c.4366+4A>T

Gene: KIF1B (kinesin family member 1B; plus strand). Cytogenetic location: 1p36.22.
Variant type: single nucleotide variant.
Coding change: c.4366+4A>T on transcript NM_001365951.3 (MANE Select); 4 bases into the intron after coding-DNA position 4366, A replaced by T.
Molecular consequence: intron variant.
Genome position (GRCh38, 1-based): chr1:10,363,348, A>T. VCF-style: chr1-10363348-A-T. GRCh37 (hg19) VCF-style: chr1-10423406-A-T.
Other names: c.4228+4A>T (NM_015074.3); c.4366+4A>T (NM_001365952.1).
Identifiers: ClinVar variation 1738868 (VCV001738868.8), dbSNP rs761773305, ClinGen allele CA582054.
Genomic context (GRCh38, chr1:10,363,348, plus strand): 5'-GAGTCACTGGCATTTACGAACTCAGCTTATGCAAAATGTCAGACACAGGTAGTCCAGGTA[A>T]GCTCTTGTGGATTGAGGAGGTGATAGTTATCTTTGTGTATGTTTCAAGTATCCTGTATTT-3'